The following is an entry in ClinVar:

NM_001482.3(GATM):c.323A>G (p.Gln108Arg)

Gene: GATM (glycine amidinotransferase; minus strand). Cytogenetic location: 15q21.1.
Variant type: single nucleotide variant.
Coding change: c.323A>G on transcript NM_001482.3 (MANE Select); coding-DNA position 323, A replaced by G.
Protein change: p.Gln108Arg; replaces glutamine 108 with arginine.
Molecular consequence: missense variant. On other transcripts: 5 prime UTR variant (1).
Genome position (GRCh38, 1-based): chr15:45,369,487, T>C on the plus strand (A>G on the coding strand, the complement: GATM is on the minus strand). VCF-style: chr15-45369487-T-C. GRCh37 (hg19) VCF-style: chr15-45661685-T-C.
Other names: c.-65A>G (NM_001321015.2); short protein forms Q108R.
Identifiers: ClinVar variation 957601 (VCV000957601.9), dbSNP rs1398822076, ClinGen allele CA392262153.

ClinVar aggregate classification (germline): Uncertain significance (1 of 4 stars; one submission).

Conditions:
Arginine:glycine amidinotransferase deficiency (CCDS3). Also called: Creatine deficiency syndrome due to AGAT deficiency; GATM deficiency; L-Arginine:Glycine Amidinotransferase (AGAT) Deficiency; L-Arginine:Glycine Amidinotransferase Deficiency; Cerebral creatine deficiency syndrome 3; AGAT deficiency. Identifiers: Orphanet 35704, MedGen C2675179, MONDO:0012996, OMIM 612718.

Allele frequency attached by ClinVar (database versions not stated): gnomAD exomes below 0.00001.
gnomAD v4.1: 6 of 1,614,178 alleles (0.00037%); highest among the groups gnomAD compares: Non-Finnish European, 0.00051%; no homozygotes.

Submission:

Labcorp Genetics (formerly Invitae), Labcorp
Classification: Uncertain significance for Arginine:glycine amidinotransferase deficiency. Last evaluated: 2024-01-18. Review status: criteria provided, single submitter. Criteria: Invitae Variant Classification Sherloc (09022015). Collection method: clinical testing. Allele origin: germline.
Comment: This sequence change replaces glutamine, which is neutral and polar, with arginine, which is basic and polar, at codon 108 of the GATM protein (p.Gln108Arg). This variant is present in population databases (no rsID available, gnomAD 0.0009%). This variant has not been reported in the literature in individuals affected with GATM-related conditions. ClinVar contains an entry for this variant (Variation ID: 957601). Advanced modeling of protein sequence and biophysical properties (such as structural, functional, and spatial information, amino acid conservation, physicochemical variation, residue mobility, and thermodynamic stability) performed at Invitae indicates that this missense variant is not expected to disrupt GATM protein function with a negative predictive value of 80%. In summary, the available evidence is currently insufficient to determine the role of this variant in disease. Therefore, it has been classified as a Variant of Uncertain Significance.